The following is an entry in ClinVar:

ClinVar aggregate classification (germline): Uncertain significance. Review status: criteria provided, multiple submitters, no conflicts (2 of 4 stars). 2 submissions from 2 submitters: Uncertain significance (2). Last evaluated 2024-09-11.

Conditions:
Inborn genetic diseases. Identifiers: MedGen C0950123, MeSH D030342.

gnomAD v4.1: 1 of 1,613,624 alleles (0.000062%); highest among the groups gnomAD compares: African/African-American, 0.0013%; no homozygotes.

Submissions (2):

Labcorp Genetics (formerly Invitae), Labcorp
Classification: Uncertain significance. Last evaluated: 2024-09-11. Review status: criteria provided, single submitter. Criteria: Invitae Variant Classification Sherloc (09022015). Collection method: clinical testing. Allele origin: germline.
Comment: This sequence change replaces serine, which is neutral and polar, with asparagine, which is neutral and polar, at codon 877 of the CDH2 protein (p.Ser877Asn). This variant is present in population databases (no rsID available, gnomAD 0.007%). This variant has not been reported in the literature in individuals affected with CDH2-related conditions. ClinVar contains an entry for this variant (Variation ID: 2446921). An algorithm developed to predict the effect of missense changes on protein structure and function (PolyPhen-2) suggests that this variant is likely to be disruptive. In summary, the available evidence is currently insufficient to determine the role of this variant in disease. Therefore, it has been classified as a Variant of Uncertain Significance.

Ambry Genetics
Classification: Uncertain significance for Inborn genetic diseases. Last evaluated: 2023-12-26. Review status: criteria provided, single submitter. Criteria: Ambry Variant Classification Scheme 2023. Collection method: clinical testing. Allele origin: germline.

NM_001792.5(CDH2):c.2630G>A (p.Ser877Asn)

Genes: CDH2 (cadherin 2; minus strand), CDH2-AS1 (CDH2 antisense RNA 1; plus strand). Cytogenetic location: 18q12.1.
Variant type: single nucleotide variant.
Coding change: c.2630G>A on transcript NM_001792.5 (MANE Select); coding-DNA position 2630, G replaced by A.
Protein change: p.Ser877Asn; replaces serine 877 with asparagine.
Molecular consequence: missense variant.
Genome position (GRCh38, 1-based): chr18:27,952,244, C>T on the plus strand (G>A on the coding strand, the complement: CDH2 is on the minus strand). VCF-style: chr18-27952244-C-T. GRCh37 (hg19) VCF-style: chr18-25532208-C-T.
Other names: c.2537G>A, p.Ser846Asn (NM_001308176.2); short protein forms S846N, S877N.
Identifiers: ClinVar variation 2446921 (VCV002446921.4), dbSNP rs138164198, ClinGen allele CA297653052.